The following is an entry in ClinVar:

ClinVar aggregate classification (germline): Uncertain significance. Review status: criteria provided, single submitter (1 of 4 stars). 2 submissions from 2 submitters: Uncertain significance (1). 1 of the submissions does not count toward it. Last evaluated 2024-02-19.

Conditions:
SIX5-related disorder. Also called: SIX5-related condition.
Branchiootorenal syndrome 2 (BOR2). Identifiers: Orphanet 107, MedGen C1970479, MONDO:0012575, OMIM 610896.

Allele frequency attached by ClinVar (database versions not stated): gnomAD exomes below 0.00001; TOPMed below 0.00001.
gnomAD v4.1: 1 of 1,514,528 alleles (0.000066%); highest among the groups gnomAD compares: Non-Finnish European, 0.000088%; no homozygotes.

Submissions (2):

Fulgent Genetics
Classification: Uncertain significance for Branchiootorenal syndrome 2. Last evaluated: 2024-02-19. Review status: criteria provided, single submitter. Criteria: ACMG Guidelines, 2015. Collection method: clinical testing. Allele origin: germline.

PreventionGenetics, part of Exact Sciences
Classification: Likely benign for SIX5-related condition. Last evaluated: 2021-07-20. Review status: no assertion criteria provided. Collection method: clinical testing. Allele origin: germline. Not counted in ClinVar's aggregate classification.
Comment: This variant is classified as likely benign based on ACMG/AMP sequence variant interpretation guidelines (Richards et al. 2015 PMID: 25741868, with internal and published modifications).

NM_175875.5(SIX5):c.1272C>T (p.Pro424=)

Gene: SIX5 (SIX homeobox 5; minus strand). Cytogenetic location: 19q13.32.
Variant type: single nucleotide variant.
Coding change: c.1272C>T on transcript NM_175875.5 (MANE Select); coding-DNA position 1272, C replaced by T.
Protein change: p.Pro424=; no amino-acid change (proline 424 retained).
Molecular consequence: synonymous variant.
Genome position (GRCh38, 1-based): chr19:45,766,687, G>A on the plus strand (C>T on the coding strand, the complement: SIX5 is on the minus strand). VCF-style: chr19-45766687-G-A. GRCh37 (hg19) VCF-style: chr19-46269945-G-A.
Identifiers: ClinVar variation 3029619 (VCV003029619.3), dbSNP rs1179130122, ClinGen allele CA507961677.
Genomic context (GRCh38, chr19:45,766,687, plus strand): 5'-TGGCCCCGGGGGCAGAGGAAAGGTGGCAGCCGTCGGGGGGCCAGGCACCACTTGGGCCAG[G>A]GGCCCCAGGACCTCCTCTCCAAGGGCTGGTCCCGGAGCAGCCACCTGGGCCCCTTTGGTC-3'
Protein context (NP_787071.3, residues 414-434): GPALGEEVLG[Pro424=]LAQVVPGPPT